The following is an entry in ClinVar:

NM_000302.4(PLOD1):c.524A>G (p.Asp175Gly)

Gene: PLOD1 (procollagen-lysine,2-oxoglutarate 5-dioxygenase 1; plus strand). Cytogenetic location: 1p36.22.
Variant type: single nucleotide variant.
Coding change: c.524A>G on transcript NM_000302.4 (MANE Select); coding-DNA position 524, A replaced by G.
Protein change: p.Asp175Gly; replaces aspartic acid 175 with glycine.
Molecular consequence: missense variant.
Genome position (GRCh38, 1-based): chr1:11,952,680, A>G. VCF-style: chr1-11952680-A-G. GRCh37 (hg19) VCF-style: chr1-12012737-A-G.
Other names: c.524A>G (NM_000302.3); c.665A>G, p.Asp222Gly (NM_001316320.2); short protein forms D175G, D222G.
Identifiers: ClinVar variation 2418042 (VCV002418042.6), dbSNP rs1185081145, ClinGen allele CA338428322.

ClinVar aggregate classification (germline): Uncertain significance. Review status: criteria provided, multiple submitters, no conflicts (2 of 4 stars). 2 submissions from 2 submitters: Uncertain significance (2). Last evaluated 2024-06-18.

Conditions:
Familial thoracic aortic aneurysm and aortic dissection (TAAD). Also called: Thoracic aortic aneurysms and dissections. Identifiers: Orphanet 91387, MedGen C4707243, MONDO:0019625.
Ehlers-Danlos syndrome, kyphoscoliotic type 1 (EDSKSCL1). Also called: EHLERS-DANLOS SYNDROME, TYPE VIA; Ehlers-Danlos syndrome, hydroxylysine-deficient; EHLERS-DANLOS SYNDROME, OCULAR-SCOLIOTIC TYPE; PLOD1-Related Kyphoscoliotic Ehlers-Danlos Syndrome. Identifiers: Orphanet 1900, MedGen C0268342, MONDO:0016002, OMIM 225400. Disease mechanism: loss of function.

Allele frequency attached by ClinVar (database versions not stated): gnomAD exomes 0.00001; TOPMed 0.00002.
gnomAD v4.1: 3 of 1,614,082 alleles (0.00019%); highest among the groups gnomAD compares: Admixed American, 0.005%; no homozygotes.

Submissions (2):

Ambry Genetics
Classification: Uncertain significance for Familial thoracic aortic aneurysm and aortic dissection. Last evaluated: 2024-06-18. Review status: criteria provided, single submitter. Criteria: Ambry Variant Classification Scheme 2023. Collection method: clinical testing. Allele origin: germline.
Comment: The p.D175G variant (also known as c.524A>G), located in coding exon 5 of the PLOD1 gene, results from an A to G substitution at nucleotide position 524. The aspartic acid at codon 175 is replaced by glycine, an amino acid with similar properties. This amino acid position is conserved. In addition, this alteration is predicted to be deleterious by in silico analysis. Based on the available evidence, the clinical significance of this variant remains unclear.

Labcorp Genetics (formerly Invitae), Labcorp
Classification: Uncertain significance for Ehlers-Danlos syndrome, kyphoscoliotic type 1. Last evaluated: 2022-07-15. Review status: criteria provided, single submitter. Criteria: Invitae Variant Classification Sherloc (09022015). Collection method: clinical testing. Allele origin: germline.
Comment: This sequence change replaces aspartic acid, which is acidic and polar, with glycine, which is neutral and non-polar, at codon 175 of the PLOD1 protein (p.Asp175Gly). This variant is present in population databases (no rsID available, gnomAD 0.006%). This variant has not been reported in the literature in individuals affected with PLOD1-related conditions. Algorithms developed to predict the effect of missense changes on protein structure and function (SIFT, PolyPhen-2, Align-GVGD) all suggest that this variant is likely to be disruptive. In summary, the available evidence is currently insufficient to determine the role of this variant in disease. Therefore, it has been classified as a Variant of Uncertain Significance.